The following is an entry in ClinVar:

ClinVar aggregate classification (germline): Uncertain significance. Review status: criteria provided, multiple submitters, no conflicts (2 of 4 stars). 2 submissions from 2 submitters: Uncertain significance (2). Last evaluated 2025-12-11.

Allele frequency attached by ClinVar (database versions not stated): gnomAD exomes below 0.00001.

Submissions (2):

Ambry Genetics
Classification: Uncertain significance. Last evaluated: 2025-12-11. Review status: criteria provided, single submitter. Criteria: Ambry Variant Classification Scheme 2023. Collection method: clinical testing. Allele origin: germline.

Labcorp Genetics (formerly Invitae), Labcorp
Classification: Uncertain significance. Last evaluated: 2025-04-17. Review status: criteria provided, single submitter. Criteria: Invitae Variant Classification Sherloc (09022015). Collection method: clinical testing. Allele origin: germline.
Comment: This sequence change replaces lysine, which is basic and polar, with glutamic acid, which is acidic and polar, at codon 329 of the SIAE protein (p.Lys329Glu). This variant is present in population databases (no rsID available, gnomAD 0.003%). This variant has not been reported in the literature in individuals affected with SIAE-related conditions. ClinVar contains an entry for this variant (Variation ID: 1443557). An algorithm developed to predict the effect of missense changes on protein structure and function outputs the following: PolyPhen-2: "Benign". The glutamic acid amino acid residue is found in multiple mammalian species, which suggests that this missense change does not adversely affect protein function. In summary, the available evidence is currently insufficient to determine the role of this variant in disease. Therefore, it has been classified as a Variant of Uncertain Significance.

NM_170601.5(SIAE):c.985A>G (p.Lys329Glu)

Gene: SIAE (sialic acid acetylesterase; minus strand). Cytogenetic location: 11q24.2.
Variant type: single nucleotide variant.
Coding change: c.985A>G on transcript NM_170601.5 (MANE Select); coding-DNA position 985, A replaced by G.
Protein change: p.Lys329Glu; replaces lysine 329 with glutamic acid.
Molecular consequence: missense variant.
Genome position (GRCh38, 1-based): chr11:124,639,849, T>C on the plus strand (A>G on the coding strand, the complement: SIAE is on the minus strand). VCF-style: chr11-124639849-T-C. GRCh37 (hg19) VCF-style: chr11-124509745-T-C.
Other names: c.985A>G (NM_170601.4); c.880A>G, p.Lys294Glu (NM_001199922.2); short protein forms K294E, K329E.
Identifiers: ClinVar variation 1443557 (VCV001443557.7), dbSNP rs1263934132, ClinGen allele CA383146116.